The following is an entry in ClinVar:

NC_000011.9:g.(?_108106387)_(108236235_?)dup

Gene: ATM (ATM serine/threonine kinase; plus strand). Cytogenetic location: 11q22.3.
Variant type: Duplication.
Identifiers: ClinVar variation 1495212 (VCV001495212.1).

ClinVar aggregate classification (germline): Uncertain significance (1 of 4 stars; one submission).

Conditions:
Ataxia-telangiectasia syndrome (AT). Also called: Cerebello-oculocutaneous telangiectasia; Immunodeficiency with ataxia telangiectasia; AT, COMPLEMENTATION GROUP C; ATAXIA-TELANGIECTASIA, COMPLEMENTATION GROUP A; ATAXIA-TELANGIECTASIA, FRESNO VARIANT; LOUIS-BAR SYNDROME. Identifiers: Orphanet 100, MedGen C0004135, MONDO:0008840, OMIM 208900.

Submission:

Labcorp Genetics (formerly Invitae), Labcorp
Classification: Uncertain significance for Ataxia-telangiectasia syndrome. Last evaluated: 2021-02-07. Review status: criteria provided, single submitter. Criteria: Invitae Variant Classification Sherloc (09022015). Collection method: clinical testing. Allele origin: germline.
Comment: This variant results in a copy number gain of the genomic region encompassing exon(s) 5-63 of the ATM gene. The 5' boundary is likely confined to intron 4. The 3' end of this event is unknown as it extends beyond the assayed region for this gene and therefore may encompass additional genes. As the precise location of this event is unknown, it may be in tandem or it may be located elsewhere in the genome. This variant has not been reported in the literature in individuals with ATM-related conditions. Experimental studies and prediction algorithms are not available or were not evaluated, and the functional significance of this variant is currently unknown. In summary, the available evidence is currently insufficient to determine the role of this variant in disease. Therefore, it has been classified as a Variant of Uncertain Significance.